The following is an entry in ClinVar:

NM_024675.4(PALB2):c.2117C>G (p.Thr706Ser)

Gene: PALB2 (partner and localizer of BRCA2; minus strand). Cytogenetic location: 16p12.2.
Variant type: single nucleotide variant.
Coding change: c.2117C>G on transcript NM_024675.4 (MANE Select); coding-DNA position 2117, C replaced by G.
Protein change: p.Thr706Ser; replaces threonine 706 with serine.
Molecular consequence: missense variant.
Genome position (GRCh38, 1-based): chr16:23,630,037, G>C on the plus strand (C>G on the coding strand, the complement: PALB2 is on the minus strand). VCF-style: chr16-23630037-G-C. GRCh37 (hg19) VCF-style: chr16-23641358-G-C.
Other names: p.T706S:ACT>AGT; short protein forms T706S.
Identifiers: ClinVar variation 128127 (VCV000128127.3), dbSNP rs587780209, ClinGen allele CA288428.

ClinVar aggregate classification (germline): Uncertain significance. Review status: criteria provided, multiple submitters, no conflicts (2 of 4 stars). 2 submissions from 2 submitters: Uncertain significance (2). Last evaluated 2023-11-27.

Conditions:
Hereditary cancer-predisposing syndrome. Also called: Hereditary neoplastic syndrome; Neoplastic Syndromes, Hereditary; Hereditary Cancer Syndrome; Tumor predisposition. Identifiers: Orphanet 140162, MedGen C0027672, MeSH D009386, MONDO:0015356.

Submissions (2):

Ambry Genetics
Classification: Uncertain significance for Hereditary cancer-predisposing syndrome. Last evaluated: 2023-11-27. Review status: criteria provided, single submitter. Criteria: Ambry Variant Classification Scheme 2023. Collection method: clinical testing. Allele origin: germline.
Comment: The p.T706S variant (also known as c.2117C>G), located in coding exon 5 of the PALB2 gene, results from a C to G substitution at nucleotide position 2117. The threonine at codon 706 is replaced by serine, an amino acid with similar properties. This amino acid position is conserved. In addition, this alteration is predicted to be tolerated by in silico analysis. Since supporting evidence is limited at this time, the clinical significance of this alteration remains unclear.

GeneDx
Classification: Uncertain significance. Last evaluated: 2014-01-10. Review status: criteria provided, single submitter. Criteria: GeneDx Variant Classification (06012015). Collection method: clinical testing. Allele origin: germline. Affected: yes.
Comment: This variant is denoted PALB2 c.2117C>G at the cDNA level, p.Thr706Ser (T706S) at the protein level, and results in the change of a Threonine to a Serine (ACT>AGT). This variant has not, to our knowledge, been published in the literature as pathogenic or benign. PALB2 Thr706Ser was not observed in approximately 6,500 individuals of European and African American ancestry in the NHLBI Exome Sequencing Project, indicating it is not a common benign variant in these populations. This variant is a conservative substitution of one neutral polar amino acid for another, altering a position that is well conserved throughout evolution and is not located in a known functional domain (UniPROT). In silico analyses are inconsistent with regard to the effect this variant may have on protein structure and function. Based on the currently available information, we consider PALB2 Thr706Ser to be a variant of uncertain significance.